The following is an entry in ClinVar:

NM_024426.6(WT1):c.728A>C (p.Gln243Pro)

Gene: WT1 (WT1 transcription factor; minus strand). Cytogenetic location: 11p13.
Variant type: single nucleotide variant.
Coding change: c.728A>C on transcript NM_024426.6 (MANE Select); coding-DNA position 728, A replaced by C.
Protein change: p.Gln243Pro; replaces glutamine 243 with proline.
Molecular consequence: missense variant. On other transcripts: 5 prime UTR variant (1), non-coding transcript variant (2), intron variant (2).
Genome position (GRCh38, 1-based): chr11:32,428,553, T>G on the plus strand (A>C on the coding strand, the complement: WT1 is on the minus strand). VCF-style: chr11-32428553-T-G. GRCh37 (hg19) VCF-style: chr11-32450099-T-G.
Other names: c.728A>C, p.Gln243Pro (NM_000378.6, NM_001407044.1, NM_001407045.1 and 4 more transcripts); c.77A>C, p.Gln26Pro (NM_001198551.2, NM_001198552.2); c.-35A>C (NM_001407051.1); c.509A>C, p.Gln170Pro (NM_001429031.1, NM_001429032.1, NM_001429033.1 and 1 more transcripts); c.662-495A>C (NM_001407050.1, NM_001407047.1); short protein forms Q170P, Q238P, Q243P, Q26P.
Identifiers: ClinVar variation 3386202 (VCV003386202.1).

ClinVar aggregate classification (germline): Uncertain significance (1 of 4 stars; one submission).

Conditions:
Wilms tumor 1 (WT1). Also called: Wilms tumor, somatic. Identifiers: Orphanet 654, MedGen CN033288, MONDO:0008679, OMIM 194070.

Submission:

All of Us Research Program, National Institutes of Health
Classification: Uncertain significance for Wilms tumor 1. Last evaluated: 2024-09-23. Review status: criteria provided, single submitter. Criteria: ACMG Guidelines, 2015. Collection method: clinical testing. Allele origin: germline. Inheritance: Autosomal dominant inheritance. Observed: 1 variant allele, 1 heterozygote.
Comment: This study involves interpretation of variants in research participants for the purpose of population health screening. Participant phenotype was not available at the time of variant classification. Additional details can be found in publication PMID: 35346344, PMCID: PMC8962531